The following is an entry in ClinVar:

ClinVar aggregate classification (germline): Pathogenic. Review status: criteria provided, single submitter (1 of 4 stars). 2 submissions from 2 submitters: Pathogenic (1). 1 of the submissions does not count toward it. Last evaluated 2022-06-09.

Conditions:
Autoimmune enteropathy and endocrinopathy - susceptibility to chronic infections syndrome. Also called: Immunodeficiency 31C; Immunodeficiency 31C, autosomal dominant. Identifiers: Orphanet 391487, MedGen C3279990, MONDO:0013599, OMIM 614162.
Mendelian susceptibility to mycobacterial diseases due to partial STAT1 deficiency. Also called: IMMUNODEFICIENCY 31A, MYCOBACTERIOSIS, AUTOSOMAL DOMINANT; STAT1 DEFICIENCY, AUTOSOMAL DOMINANT; Immunodeficiency 31a. Identifiers: Orphanet 319595, MedGen C4013950, MONDO:0013956, OMIM 614892.
Immunodeficiency 31B. Also called: STAT1 DEFICIENCY, AUTOSOMAL RECESSIVE; IMMUNODEFICIENCY 31B, MYCOBACTERIAL AND VIRAL INFECTIONS, AUTOSOMAL RECESSIVE. Identifiers: Orphanet 391311, MedGen C3151088, MONDO:0013427, OMIM 613796.

Submissions (2):

Labcorp Genetics (formerly Invitae), Labcorp
Classification: Pathogenic for Mendelian susceptibility to mycobacterial diseases due to partial STAT1 deficiency; Immunodeficiency 31B; Autoimmune enteropathy and endocrinopathy - susceptibility to chronic infections syndrome. Last evaluated: 2022-06-09. Review status: criteria provided, single submitter. Criteria: Invitae Variant Classification Sherloc (09022015). Collection method: clinical testing. Allele origin: germline.
Comment: This sequence change replaces lysine, which is basic and polar, with glutamic acid, which is acidic and polar, at codon 388 of the STAT1 protein (p.Lys388Glu). For these reasons, this variant has been classified as Pathogenic. This variant disrupts the p.Lys388 amino acid residue in STAT1. Other variant(s) that disrupt this residue have been determined to be pathogenic (Invitae). This suggests that this residue is clinically significant, and that variants that disrupt this residue are likely to be disease-causing. Experimental studies have shown that this missense change affects STAT1 function (PMID: 25042743). Algorithms developed to predict the effect of missense changes on protein structure and function are either unavailable or do not agree on the potential impact of this missense change (SIFT: "Tolerated"; PolyPhen-2: "Probably Damaging"; Align-GVGD: "Class C0"). This missense change has been observed in individual(s) with clinical features of chronic mucocutaneous candidiasis (PMID: 25042743, 26604104, 27808400; Invitae). In at least one individual the variant was observed to be de novo. This variant is not present in population databases (gnomAD no frequency).

Department of Pediatrics, Division of Allergy, Immunology, & Rheumatology, University of California Los Angeles
Classification: Pathogenic for Autoimmune enteropathy and endocrinopathy - susceptibility to chronic infections syndrome. Review status: no assertion criteria provided. Collection method: clinical testing. Allele origin: de novo. Inheritance: Autosomal dominant inheritance. Affected: yes. Observed: 1 variant allele, 1 heterozygote. Not counted in ClinVar's aggregate classification.

Literature cited by the submitters: PubMed 25042743 (cited by Labcorp Genetics (formerly Invitae), Labcorp and Department of Pediatrics, Division of Allergy, Immunology, & Rheumatology, University of California Los Angeles); PubMed 26604104 (cited by Labcorp Genetics (formerly Invitae), Labcorp); PubMed 27808400 (cited by Labcorp Genetics (formerly Invitae), Labcorp).

NM_007315.4(STAT1):c.1162A>G (p.Lys388Glu)

Gene: STAT1 (signal transducer and activator of transcription 1; minus strand). Cytogenetic location: 2q32.2.
Variant type: single nucleotide variant.
Coding change: c.1162A>G on transcript NM_007315.4 (MANE Select); coding-DNA position 1162, A replaced by G.
Protein change: p.Lys388Glu; replaces lysine 388 with glutamic acid.
Molecular consequence: missense variant.
Genome position (GRCh38, 1-based): chr2:190,986,913, T>C on the plus strand (A>G on the coding strand, the complement: STAT1 is on the minus strand). VCF-style: chr2-190986913-T-C. GRCh37 (hg19) VCF-style: chr2-191851639-T-C.
Other names: c.1102A>G, p.Lys368Glu (NM_001384880.1); c.1168A>G, p.Lys390Glu (NM_001384881.1, NM_001384884.1); c.1156A>G, p.Lys386Glu (NM_001384882.1); c.1063A>G, p.Lys355Glu (NM_001384883.1); c.1003A>G, p.Lys335Glu (NM_001384885.1); c.1162A>G, p.Lys388Glu (NM_001384886.1, NM_001384889.1, NM_139266.3); c.1069A>G, p.Lys357Glu (NM_001384887.1); c.1132A>G, p.Lys378Glu (NM_001384888.1); and 2 more; short protein forms K355E, K368E, K388E, K357E, K358E, K400E, K335E, K378E.
Identifiers: ClinVar variation 2203238 (VCV002203238.4), dbSNP rs1559011859, ClinGen allele CA349919100.
Genomic context (GRCh38, chr2:190,986,913, plus strand): 5'-CCAGGTGCCGAAATTCAGCCGCCAGACTGCCATTGGTGGACTCCTCCATGTTCATCACTT[T>C]TGTGTGCGTGCCCAAAATGTTGAACTTCCTAAATCTATACAATATAGGAAAGAAATGCTG-3'
Protein context (NP_009330.1, residues 378-398): RKFNILGTHT[Lys388Glu]VMNMEESTNG